The following is an entry in ClinVar:

NM_004304.5(ALK):c.1669C>G (p.Arg557Gly)

Gene: ALK (ALK receptor tyrosine kinase; minus strand). Cytogenetic location: 2p23.2.
Variant type: single nucleotide variant.
Coding change: c.1669C>G on transcript NM_004304.5 (MANE Select); coding-DNA position 1669, C replaced by G.
Protein change: p.Arg557Gly; replaces arginine 557 with glycine.
Molecular consequence: missense variant.
Genome position (GRCh38, 1-based): chr2:29,297,036, G>C on the plus strand (C>G on the coding strand, the complement: ALK is on the minus strand). VCF-style: chr2-29297036-G-C. GRCh37 (hg19) VCF-style: chr2-29519902-G-C.
Other names: short protein forms R557G.
Identifiers: ClinVar variation 568005 (VCV000568005.10), dbSNP rs200364883, ClinGen allele CA1594562.

ClinVar aggregate classification (germline): Uncertain significance. Review status: criteria provided, multiple submitters, no conflicts (2 of 4 stars). 2 submissions from 2 submitters: Uncertain significance (2). Last evaluated 2025-07-18.

Conditions:
Hereditary cancer-predisposing syndrome. Also called: Neoplastic Syndromes, Hereditary; Tumor predisposition; Hereditary Cancer Syndrome; Hereditary neoplastic syndrome. Identifiers: Orphanet 140162, MedGen C0027672, MeSH D009386, MONDO:0015356.
Neuroblastoma, susceptibility to, 3. Also called: ALK-Related Neuroblastic Tumor Susceptibility. Identifiers: Orphanet 635, MedGen C2751681, MONDO:0013083, OMIM 613014.

Allele frequency attached by ClinVar (database versions not stated): 1000 Genomes Project 30x 0.00016; 1000 Genomes Project 0.00020.
gnomAD v4.1: 1 of 1,614,144 alleles (0.000062%); highest among the groups gnomAD compares: African/African-American, 0.0013%; no homozygotes.

Submissions (2):

Ambry Genetics
Classification: Uncertain significance for Hereditary cancer-predisposing syndrome. Last evaluated: 2025-07-18. Review status: criteria provided, single submitter. Criteria: Ambry Variant Classification Scheme 2023. Collection method: clinical testing. Allele origin: germline.
Comment: The p.R557G variant (also known as c.1669C>G), located in coding exon 9 of the ALK gene, results from a C to G substitution at nucleotide position 1669. The arginine at codon 557 is replaced by glycine, an amino acid with dissimilar properties. This amino acid position is conserved. In addition, this alteration is predicted to be tolerated by in silico analysis. Based on the available evidence, the clinical significance of this variant remains unclear.

Labcorp Genetics (formerly Invitae), Labcorp
Classification: Uncertain significance for Neuroblastoma, susceptibility to, 3. Last evaluated: 2025-02-17. Review status: criteria provided, single submitter. Criteria: Invitae Variant Classification Sherloc (09022015). Collection method: clinical testing. Allele origin: germline.
Comment: This sequence change replaces arginine, which is basic and polar, with glycine, which is neutral and non-polar, at codon 557 of the ALK protein (p.Arg557Gly). This variant is not present in population databases (gnomAD no frequency). This variant has not been reported in the literature in individuals affected with ALK-related conditions. ClinVar contains an entry for this variant (Variation ID: 568005). An algorithm developed to predict the effect of missense changes on protein structure and function (PolyPhen-2) suggests that this variant is likely to be disruptive. In summary, the available evidence is currently insufficient to determine the role of this variant in disease. Therefore, it has been classified as a Variant of Uncertain Significance.